The following is an entry in ClinVar:

NM_024426.6(WT1):c.210G>C (p.Glu70Asp)

Genes: WT1 (WT1 transcription factor; minus strand), LOC107982234 (WT1/WT1-AS bi-directional promoter region; plus strand). Cytogenetic location: 11p13.
Variant type: single nucleotide variant.
Coding change: c.210G>C on transcript NM_024426.6 (MANE Select); coding-DNA position 210, G replaced by C.
Protein change: p.Glu70Asp; replaces glutamic acid 70 with aspartic acid.
Molecular consequence: missense variant. On other transcripts: non-coding transcript variant (1).
Genome position (GRCh38, 1-based): chr11:32,435,151, C>G on the plus strand (G>C on the coding strand, the complement: WT1 is on the minus strand). VCF-style: chr11-32435151-C-G. GRCh37 (hg19) VCF-style: chr11-32456697-C-G.
Other names: c.210G>C, p.Glu70Asp (NM_000378.6, NM_024424.5); c.195G>C (NM_024426.4); short protein forms E70D.
Identifiers: ClinVar variation 1474295 (VCV001474295.10), dbSNP rs745506215, ClinGen allele CA379966155.

ClinVar aggregate classification (germline): Uncertain significance. Review status: criteria provided, multiple submitters, no conflicts (2 of 4 stars). 3 submissions from 3 submitters: Uncertain significance (3). Last evaluated 2025-07-20.

Conditions:
Frasier syndrome. Identifiers: Orphanet 347, MedGen C0950122, MeSH D052159, MONDO:0007635, OMIM 136680.
Wilms tumor 1 (WT1). Also called: Wilms tumor, somatic. Identifiers: Orphanet 654, MedGen CN033288, MONDO:0008679, OMIM 194070.
11p partial monosomy syndrome (WAGR). Also called: WAGR Complex; WAGR Spectrum Disorder; WAGR syndrome; CHROMOSOME 11p13 DELETION SYNDROME. Identifiers: Orphanet 893, MedGen C0206115, MONDO:0008681, OMIM 194072.
Drash syndrome (DDS). Also called: NEPHROPATHY, WILMS TUMOR, AND GENITAL ANOMALIES; WILMS TUMOR AND PSEUDO- OR TRUE HERMAPHRODITISM. Identifiers: Orphanet 220, MedGen C0950121, MONDO:0008682, OMIM 194080.
Inborn genetic diseases. Identifiers: MedGen C0950123, MeSH D030342.

Submissions (3):

Ambry Genetics
Classification: Uncertain significance for Inborn genetic diseases. Last evaluated: 2025-07-20. Review status: criteria provided, single submitter. Criteria: Ambry Variant Classification Scheme 2023. Collection method: clinical testing. Allele origin: germline.
Comment: The p.E65D variant (also known as c.195G>C), located in coding exon 1 of the WT1 gene, results from a G to C substitution at nucleotide position 195. The glutamic acid at codon 65 is replaced by aspartic acid, an amino acid with highly similar properties. This amino acid position is conserved. In addition, this alteration is predicted to be tolerated by in silico analysis. Based on the available evidence, the clinical significance of this variant remains unclear.

GeneDx
Classification: Uncertain significance. Last evaluated: 2023-11-12. Review status: criteria provided, single submitter. Criteria: GeneDx Variant Classification Process June 2021. Collection method: clinical testing. Allele origin: germline. Affected: yes.
Comment: Not observed at significant frequency in large population cohorts (gnomAD); In silico analysis supports that this missense variant does not alter protein structure/function; Has not been previously published as pathogenic or benign to our knowledge

Labcorp Genetics (formerly Invitae), Labcorp
Classification: Uncertain significance for Wilms tumor 1; Drash syndrome; 11p partial monosomy syndrome; Frasier syndrome. Last evaluated: 2020-12-01. Review status: criteria provided, single submitter. Criteria: Invitae Variant Classification Sherloc (09022015). Collection method: clinical testing. Allele origin: germline.
Comment: This sequence change replaces glutamic acid with aspartic acid at codon 65 of the WT1 protein (p.Glu65Asp). The glutamic acid residue is weakly conserved and there is a small physicochemical difference between glutamic acid and aspartic acid. In summary, the available evidence is currently insufficient to determine the role of this variant in disease. Therefore, it has been classified as a Variant of Uncertain Significance. Algorithms developed to predict the effect of missense changes on protein structure and function are either unavailable or do not agree on the potential impact of this missense change (SIFT: "Deleterious"; PolyPhen-2: "Benign"; Align-GVGD: "Class C0"). This variant has not been reported in the literature in individuals with WT1-related conditions. The frequency data for this variant in the population databases is considered unreliable, as metrics indicate insufficient coverage at this position in the ExAC database.